The following is an entry in ClinVar:

ClinVar aggregate classification (germline): Pathogenic. Review status: criteria provided, single submitter (1 of 4 stars). 2 submissions from 2 submitters: Pathogenic (1). 1 of the submissions does not count toward it. Last evaluated 2021-04-17.

Conditions:
Neuronopathy, distal hereditary motor, autosomal dominant. Also called: Autosomal dominant distal hereditary motor neuropathy. Identifiers: Orphanet 140465, MedGen C5548212, MONDO:0015362.
Charcot-Marie-Tooth disease axonal type 2S. Also called: CHARCOT-MARIE-TOOTH NEUROPATHY, TYPE 2S; CHARCOT-MARIE-TOOTH DISEASE, AXONAL, AUTOSOMAL RECESSIVE, TYPE 2S. Identifiers: Orphanet 443073, MedGen C4015349, MONDO:0014511, OMIM 616155.
Autosomal recessive distal spinal muscular atrophy 1. Also called: NEURONOPATHY, SEVERE INFANTILE AXONAL, WITH RESPIRATORY FAILURE; SEVERE INFANTILE AXONAL NEUROPATHY WITH RESPIRATORY FAILURE; SPINAL MUSCULAR ATROPHY, DIAPHRAGMATIC; Spinal muscular atrophy with respiratory distress 1; HMN VI; NEURONOPATHY, DISTAL HEREDITARY MOTOR, HARDING TYPE VI. Identifiers: Orphanet 98920, MedGen C1858517, MONDO:0011436, OMIM 604320.

Allele frequency attached by ClinVar (database versions not stated): gnomAD exomes below 0.00001.

Submissions (2):

Labcorp Genetics (formerly Invitae), Labcorp
Classification: Pathogenic for Autosomal recessive distal spinal muscular atrophy 1; Charcot-Marie-Tooth disease axonal type 2S. Last evaluated: 2021-04-17. Review status: criteria provided, single submitter. Criteria: Invitae Variant Classification Sherloc (09022015). Collection method: clinical testing. Allele origin: germline.
Comment: This sequence change creates a premature translational stop signal (p.Gln260Hisfs*25) in the IGHMBP2 gene. It is expected to result in an absent or disrupted protein product. Loss-of-function variants in IGHMBP2 are known to be pathogenic (PMID: 14681881). For these reasons, this variant has been classified as Pathogenic. This variant has been observed in individual(s) with spinal muscular atrophy (PMID: 23449687). ClinVar contains an entry for this variant (Variation ID: 637270). This variant is not present in population databases (ExAC no frequency).

Inherited Neuropathy Consortium
Classification: Uncertain significance for Autosomal dominant distal hereditary motor neuropathy. Review status: no assertion criteria provided. Collection method: literature only. Allele origin: germline. Affected: yes. Not counted in ClinVar's aggregate classification.

Literature cited by the submitters: PubMed 14681881 (cited by Labcorp Genetics (formerly Invitae), Labcorp); PubMed 23449687 (cited by Labcorp Genetics (formerly Invitae), Labcorp and Inherited Neuropathy Consortium).

NM_002180.3(IGHMBP2):c.780del (p.Gln260fs)

Gene: IGHMBP2 (immunoglobulin mu DNA binding protein 2; plus strand). Cytogenetic location: 11q13.3.
Variant type: Deletion.
Coding change: c.780del on transcript NM_002180.3 (MANE Select); coding-DNA position 780, one base deleted (G; older notation c.780delG).
Protein change: p.Gln260fs; shifts the reading frame from glutamine 260.
Molecular consequence: frameshift variant.
Genome position (GRCh38, 1-based): chr11:68,914,891, G deleted. VCF-style (leftmost placement, unchanged base first): chr11-68914890-AG-A. GRCh37 (hg19) VCF-style: chr11-68682358-AG-A.
Other names: c.780delG (NM_002180.2); short protein forms Q260fs.
Identifiers: ClinVar variation 637270 (VCV000637270.9), dbSNP rs1594427564, ClinGen allele CA915948801.
Genomic context (GRCh38, chr11:68,914,890, plus strand): 5'-GCTGCGCCCCCTCCAACATCGCCGTGGACAATCTGGTGGAGCGCCTGGCTCTGTGTAAGC[AG>A]CGGATTCTGCGCCTGGGACACCCTGCCCGCCTCCTGGAGTCCATTCAGCAGCACTCCCTG-3'